The following is an entry in ClinVar:

ClinVar aggregate classification (germline): Uncertain significance (1 of 4 stars; one submission).

Conditions:
Hereditary cancer-predisposing syndrome. Also called: Hereditary Cancer Syndrome; Neoplastic Syndromes, Hereditary; Tumor predisposition; Hereditary neoplastic syndrome. Identifiers: Orphanet 140162, MedGen C0027672, MeSH D009386, MONDO:0015356.

Submission:

Ambry Genetics
Classification: Uncertain significance for Hereditary cancer-predisposing syndrome. Last evaluated: 2026-06-16. Review status: criteria provided, single submitter. Criteria: Ambry Variant Classification Scheme 2023. Collection method: clinical testing. Allele origin: germline.
Comment: The c.3744-1G>C intronic variant results from a G to C substitution one nucleotide upstream from coding exon 25 of the ALK gene. Variants that disrupt the canonical splice site are expected to result in aberrant splicing. However, loss of function has not been established as a mechanism of disease. In silico splice site analysis predicts that this alteration will weaken the native splice acceptor site and may result in the creation or strengthening of a novel splice acceptor site. A resulting transcript is predicted to be in-frame and is not expected to trigger nonsense-mediated mRNAdecay; although, direct evidence is unavailable. This nucleotide position is highly conserved in available vertebrate species. Based on the available evidence, the clinical significance of this variant remains unclear.

NM_004304.5(ALK):c.3744-1G>C

Gene: ALK (ALK receptor tyrosine kinase; minus strand). Cytogenetic location: 2p23.2.
Variant type: single nucleotide variant.
Coding change: c.3744-1G>C on transcript NM_004304.5 (MANE Select); the canonical splice acceptor site of the intron before coding-DNA position 3744, G replaced by C.
Molecular consequence: splice acceptor variant.
Genome position (GRCh38, 1-based): chr2:29,209,879, C>G on the plus strand (G>C on the coding strand, the complement: ALK is on the minus strand). VCF-style: chr2-29209879-C-G. GRCh37 (hg19) VCF-style: chr2-29432745-C-G.
Other names: c.540-1G>C (NM_001353765.2).
Identifiers: ClinVar variation 5034954 (VCV005034954.1).